The following is an entry in ClinVar:

ClinVar aggregate classification (germline): Uncertain significance (1 of 4 stars; one submission).

gnomAD v4.1: 17 of 1,091,561 alleles (0.0016%); highest among the groups gnomAD compares: Non-Finnish European, 0.0022%; no homozygotes.

Submission:

Women's Health and Genetics/Laboratory Corporation of America, LabCorp
Classification: Uncertain significance. Last evaluated: 2025-09-12. Review status: criteria provided, single submitter. Criteria: LabCorp Variant Classification Summary - May 2015. Collection method: clinical testing. Allele origin: germline.
Comment: Variant summary: GK c.332C>T (p.Ala111Val) results in a non-conservative amino acid change in the encoded protein sequence. Algorithms developed to predict the effect of missense changes on protein structure and function are either unavailable or do not agree on the potential impact of this missense change. The variant allele was found at a frequency of 4.4e-05 in 183511 control chromosomes. The available data on variant occurrences in the general population are insufficient to allow any conclusion about variant significance. To our knowledge, no occurrence of c.332C>T in individuals affected with GK-related conditions and no experimental evidence demonstrating its impact on protein function have been reported. No submitters have cited clinical-significance assessments for this variant to ClinVar. Based on the evidence outlined above, the variant was classified as uncertain significance.

NM_001205019.2(GK):c.332C>T (p.Ala111Val)

Gene: GK (glycerol kinase; plus strand). Cytogenetic location: Xp21.2.
Variant type: single nucleotide variant.
Coding change: c.332C>T on transcript NM_001205019.2 (MANE Select); coding-DNA position 332, C replaced by T.
Protein change: p.Ala111Val; replaces alanine 111 with valine.
Molecular consequence: missense variant. On other transcripts: non-coding transcript variant (7).
Genome position (GRCh38, 1-based): chrX:30,677,447, C>T. VCF-style: chrX-30677447-C-T. GRCh37 (hg19) VCF-style: chrX-30695564-C-T.
Other names: c.332C>T, p.Ala111Val (NM_000167.6, NM_001128127.3, NM_001399987.1 and 2 more transcripts); short protein forms A111V.
Identifiers: ClinVar variation 4535558 (VCV004535558.1).
Genomic context (GRCh38, chrX:30,677,447, plus strand): 5'-GCAACCAGAGGGAAACCACTGTAGTCTGGGACAAGATAACTGGAGAGCCTCTCTACAATG[C>T]TGTGGGTAAGCTGTCATGCATGGATGTCAAATGTAGGGCCTTTCTTCACATTGCAAATGT-3'
Protein context (NP_001191948.1, residues 101-121): DKITGEPLYN[Ala111Val]VVWLDLRTQS